The following is an entry in ClinVar:

ClinVar aggregate classification (germline): Uncertain significance (1 of 4 stars; one submission).

Conditions:
Congenital myotonia, autosomal dominant form (THD). Also called: THOMSEN DISEASE; Myotonia congenita autosomal dominant. Identifiers: Orphanet 614, MedGen C2936781, MONDO:0008055, OMIM 160800.
Congenital myotonia, autosomal recessive form. Also called: BECKER DISEASE; Becker Generalized Myotonia; myotonia congenita, autosomal recessive. Identifiers: Orphanet 614, MedGen C0751360, MONDO:0009715, OMIM 255700.

Submission:

Labcorp Genetics (formerly Invitae), Labcorp
Classification: Uncertain significance for Congenital myotonia, autosomal recessive form; Congenital myotonia, autosomal dominant form. Last evaluated: 2023-08-10. Review status: criteria provided, single submitter. Criteria: Invitae Variant Classification Sherloc (09022015). Collection method: clinical testing. Allele origin: germline.
Comment: This variant is not present in population databases (gnomAD no frequency). In summary, the available evidence is currently insufficient to determine the role of this variant in disease. Therefore, it has been classified as a Variant of Uncertain Significance. Variants that disrupt the consensus splice site are a relatively common cause of aberrant splicing (PMID: 17576681, 9536098). Algorithms developed to predict the effect of sequence changes on RNA splicing suggest that this variant may disrupt the consensus splice site. ClinVar contains an entry for this variant (Variation ID: 948118). This variant has been observed in individual(s) with clinical features of autosomal recessive myotonia congenita (Invitae). In at least one individual the data is consistent with being in trans (on the opposite chromosome) from a pathogenic variant. This sequence change falls in intron 11 of the CLCN1 gene. It does not directly change the encoded amino acid sequence of the CLCN1 protein. It affects a nucleotide within the consensus splice site.

Literature cited by the submitters: PubMed 17576681; PubMed 9536098.

NM_000083.3(CLCN1):c.1251+5G>A

Gene: CLCN1 (chloride voltage-gated channel 1; plus strand). Cytogenetic location: 7q34.
Variant type: single nucleotide variant.
Coding change: c.1251+5G>A on transcript NM_000083.3 (MANE Select); 5 bases into the intron after coding-DNA position 1251, G replaced by A.
Molecular consequence: intron variant.
Genome position (GRCh38, 1-based): chr7:143,332,508, G>A. VCF-style: chr7-143332508-G-A. GRCh37 (hg19) VCF-style: chr7-143029601-G-A.
Identifiers: ClinVar variation 948118 (VCV000948118.8), dbSNP rs1802753836, ClinGen allele CA1139660297.